The following is an entry in ClinVar:

NM_001370259.2(MEN1):c.1186-1G>A

Gene: MEN1 (menin 1; minus strand). Cytogenetic location: 11q13.1.
Variant type: single nucleotide variant.
Coding change: c.1186-1G>A on transcript NM_001370259.2 (MANE Select); the canonical splice acceptor site of the intron before coding-DNA position 1186, G replaced by A.
Molecular consequence: splice acceptor variant. On other transcripts: intron variant (1).
Genome position (GRCh38, 1-based): chr11:64,805,199, C>T on the plus strand (G>A on the coding strand, the complement: MEN1 is on the minus strand). VCF-style: chr11-64805199-C-T. GRCh37 (hg19) VCF-style: chr11-64572671-C-T.
Other names: c.1312-1G>A (NM_001407142.1, NM_001407143.1, NM_001407144.1 and 1 more transcripts); c.1201-1G>A (NM_130800.3, NM_001407145.1, NM_130802.3 and 4 more transcripts); c.1186-1G>A (NM_001407146.1, NM_001407147.1, NM_001370261.2 and 2 more transcripts); c.1081-1G>A (NM_001370262.2, NM_001407148.1, NM_001407149.1 and 1 more transcripts); c.1327-1G>A (NM_001407150.1); c.1207-1G>A (NM_001407151.1); c.1186-383G>A (NM_001407152.1).
Identifiers: ClinVar variation 4709852 (VCV004709852.1), dbSNP rs794728628.

ClinVar aggregate classification (germline): Likely pathogenic (1 of 4 stars; one submission).

Conditions:
Multiple endocrine neoplasia, type 1 (MEN1). Also called: MEN I; WERMER SYNDROME; Endocrine adenomatosis multiple; MEN 1; MEA I. Identifiers: Orphanet 652, MedGen C0025267, MeSH D018761, MONDO:0007540, OMIM 131100.

Submission:

Labcorp Genetics (formerly Invitae), Labcorp
Classification: Likely pathogenic for Multiple endocrine neoplasia, type 1. Last evaluated: 2025-06-04. Review status: criteria provided, single submitter. Criteria: Invitae Variant Classification Sherloc (09022015). Collection method: clinical testing. Allele origin: germline.
Comment: This sequence change affects an acceptor splice site in intron 8 of the MEN1 gene. It is expected to disrupt RNA splicing. Variants that disrupt the donor or acceptor splice site typically lead to a loss of protein function (PMID: 16199547), and loss-of-function variants in MEN1 are known to be pathogenic (PMID: 12112656, 17853334). This variant is not present in population databases (gnomAD no frequency). Disruption of this splice site has been observed in individual(s) with clinical features of multiple endocrine neoplasia type 1 (PMID: 17623761). Algorithms developed to predict the effect of sequence changes on RNA splicing suggest that this variant may disrupt the consensus splice site. In summary, the currently available evidence indicates that the variant is pathogenic, but additional data are needed to prove that conclusively. Therefore, this variant has been classified as Likely Pathogenic.

Literature cited by the submitters: PubMed 16199547; PubMed 12112656; PubMed 17853334; PubMed 17623761.